The following is an entry in ClinVar:

ClinVar aggregate classification (germline): Benign (1 of 4 stars; one submission).

Allele frequency attached by ClinVar (database versions not stated): 1000 Genomes Project 30x 0.17645; gnomAD 0.21767 and 0.21933; TOPMed 0.22274; 1000 Genomes Project 0.17951.
gnomAD v4.1: 33,370 of 152,034 alleles (22%); highest among the groups gnomAD compares: Middle Eastern, 32%; 4,147 homozygotes.

Submissions (2):

GeneDx
Classification: Benign. Last evaluated: 2018-06-18. Review status: criteria provided, single submitter. Criteria: GeneDx Variant Classification (06012015). Collection method: clinical testing. Allele origin: germline. Affected: yes.
Comment: This variant is considered likely benign or benign based on one or more of the following criteria: it is a conservative change, it occurs at a poorly conserved position in the protein, it is predicted to be benign by multiple in silico algorithms, and/or has population frequency not consistent with disease.

Dr. Peter K. Rogan Lab, Western University
No classification provided (evidence only). Condition: Lung cancer. Review status: no classification provided. Collection method: in vitro. Allele origin: not applicable. Functional consequence: retained intron. Not counted in ClinVar's aggregate classification.

NM_001271.4(CHD2):c.4009-211A>T

Gene: CHD2 (chromodomain helicase DNA binding protein 2; plus strand). Cytogenetic location: 15q26.1.
Variant type: single nucleotide variant.
Coding change: c.4009-211A>T on transcript NM_001271.4 (MANE Select); 211 bases into the intron before coding-DNA position 4009, A replaced by T.
Molecular consequence: intron variant.
Genome position (GRCh38, 1-based): chr15:93,000,301, A>T. VCF-style: chr15-93000301-A-T. GRCh37 (hg19) VCF-style: chr15-93543531-A-T.
Other names: NC_000015.9:g.93543531A>T.
Identifiers: ClinVar variation 678932 (VCV000678932.2), dbSNP rs4778065, ClinGen allele CA14125117.